The following is an entry in ClinVar:

ClinVar aggregate classification (germline): Uncertain significance (1 of 4 stars; one submission).

Conditions:
Autosomal dominant limb-girdle muscular dystrophy type 1F (LGMDD2). Also called: Limb-girdle muscular dystrophy, type 1F; MUSCULAR DYSTROPHY, LIMB-GIRDLE, AUTOSOMAL DOMINANT 2. Identifiers: Orphanet 55595, MedGen C1842062, MONDO:0012034, OMIM 608423.

Allele frequency attached by ClinVar (database versions not stated): gnomAD 0.00001; TOPMed 0.00002.
gnomAD v4.1: 8 of 1,613,514 alleles (0.0005%); highest among the groups gnomAD compares: African/African-American, 0.0013%; no homozygotes.

Submission:

Labcorp Genetics (formerly Invitae), Labcorp
Classification: Uncertain significance for Autosomal dominant limb-girdle muscular dystrophy type 1F. Last evaluated: 2018-09-27. Review status: criteria provided, single submitter. Criteria: Invitae Variant Classification Sherloc (09022015). Collection method: clinical testing. Allele origin: germline.
Comment: This variant has not been reported in the literature in individuals with TNPO3-related disease. ClinVar contains an entry for this variant (Variation ID: 533434). This variant is not present in population databases (ExAC no frequency). This sequence change replaces arginine with tryptophan at codon 718 of the TNPO3 protein (p.Arg718Trp). The arginine residue is moderately conserved and there is a moderate physicochemical difference between arginine and tryptophan. Algorithms developed to predict the effect of missense changes on protein structure and function do not agree on the potential impact of this missense change (SIFT: "Deleterious"; PolyPhen-2: "Possibly Damaging"; Align-GVGD: "Class C0"). In summary, the available evidence is currently insufficient to determine the role of this variant in disease. Therefore, it has been classified as a Variant of Uncertain Significance.

NM_012470.4(TNPO3):c.2152C>T (p.Arg718Trp)

Gene: TNPO3 (transportin 3; minus strand). Cytogenetic location: 7q32.1.
Variant type: single nucleotide variant.
Coding change: c.2152C>T on transcript NM_012470.4 (MANE Select); coding-DNA position 2152, C replaced by T.
Protein change: p.Arg718Trp; replaces arginine 718 with tryptophan.
Molecular consequence: missense variant. On other transcripts: non-coding transcript variant (18).
Genome position (GRCh38, 1-based): chr7:128,975,845, G>A on the plus strand (C>T on the coding strand, the complement: TNPO3 is on the minus strand). VCF-style: chr7-128975845-G-A. GRCh37 (hg19) VCF-style: chr7-128615899-G-A.
Other names: c.1960C>T, p.Arg654Trp (NM_001191028.3, NM_001382223.1); c.2254C>T, p.Arg752Trp (NM_001382216.1); c.2233C>T, p.Arg745Trp (NM_001382217.1); c.2152C>T, p.Arg718Trp (NM_001382218.1); c.2044C>T, p.Arg682Trp (NM_001382219.1); c.2011C>T, p.Arg671Trp (NM_001382220.1); c.2008C>T, p.Arg670Trp (NM_001382221.1); c.2005C>T, p.Arg669Trp (NM_001382222.1); short protein forms R718W, R654W, R669W, R670W, R671W, R682W, R745W, R752W.
Identifiers: ClinVar variation 533434 (VCV000533434.8), dbSNP rs771596630, ClinGen allele CA369217975.